The following is an entry in ClinVar:

NM_004483.5(GCSH):c.89C>T (p.Pro30Leu)

Genes: GCSH (glycine cleavage system protein H; minus strand), LOC130059495 (ATAC-STARR-seq lymphoblastoid silent region 7751; plus strand). Cytogenetic location: 16q23.2.
Variant type: single nucleotide variant.
Coding change: c.89C>T on transcript NM_004483.5 (MANE Select); coding-DNA position 89, C replaced by T.
Protein change: p.Pro30Leu; replaces proline 30 with leucine.
Molecular consequence: missense variant. On other transcripts: non-coding transcript variant (1).
Genome position (GRCh38, 1-based): chr16:81,096,190, G>A on the plus strand (C>T on the coding strand, the complement: GCSH is on the minus strand). VCF-style: chr16-81096190-G-A. GRCh37 (hg19) VCF-style: chr16-81129795-G-A.
Other names: short protein forms P30L.
Identifiers: ClinVar variation 647095 (VCV000647095.13), dbSNP rs1003539348, ClinGen allele CA284249620.

ClinVar aggregate classification (germline): Uncertain significance. Review status: criteria provided, multiple submitters, no conflicts (2 of 4 stars). 2 submissions from 2 submitters: Uncertain significance (2). Last evaluated 2023-04-12.

Conditions:
Inborn genetic diseases. Identifiers: MedGen C0950123, MeSH D030342.
Glycine encephalopathy. Also called: Non-ketotic hyperglycinemia; Nonketotic hyperglycinemia. Identifiers: Orphanet 407, MedGen C0751748, MONDO:0011612, HP:0008288.

Allele frequency attached by ClinVar (database versions not stated): TOPMed 0.00012; gnomAD 0.00014 and 0.00015; gnomAD exomes 0.00022.
gnomAD v4.1: 282 of 1,319,148 alleles (0.021%); highest among the groups gnomAD compares: Non-Finnish European, 0.025%; no homozygotes.

Submissions (2):

Ambry Genetics
Classification: Uncertain significance for Inborn genetic diseases. Last evaluated: 2023-04-12. Review status: criteria provided, single submitter. Criteria: Ambry Variant Classification Scheme 2023. Collection method: clinical testing. Allele origin: germline.

Labcorp Genetics (formerly Invitae), Labcorp
Classification: Uncertain significance for Glycine encephalopathy. Last evaluated: 2022-03-19. Review status: criteria provided, single submitter. Criteria: Invitae Variant Classification Sherloc (09022015). Collection method: clinical testing. Allele origin: germline.
Comment: This sequence change replaces proline, which is neutral and non-polar, with leucine, which is neutral and non-polar, at codon 30 of the GCSH protein (p.Pro30Leu). This variant is present in population databases (no rsID available, gnomAD 0.02%). This variant has not been reported in the literature in individuals affected with GCSH-related conditions. ClinVar contains an entry for this variant (Variation ID: 647095). Algorithms developed to predict the effect of missense changes on protein structure and function output the following: SIFT: "Tolerated"; PolyPhen-2: "Benign"; Align-GVGD: "Class C0". The leucine amino acid residue is found in multiple mammalian species, which suggests that this missense change does not adversely affect protein function. In summary, the available evidence is currently insufficient to determine the role of this variant in disease. Therefore, it has been classified as a Variant of Uncertain Significance.